The following is an entry in ClinVar:

NM_033310.3(KCNK4):c.205C>G (p.Leu69Val)

Genes: KCNK4 (potassium two pore domain channel subfamily K member 4; plus strand), KCNK4-CATSPERZ (KCNK4-CATSPERZ readthrough (NMD candidate); plus strand). Cytogenetic location: 11q13.1.
Variant type: single nucleotide variant.
Coding change: c.205C>G on transcript NM_033310.3 (MANE Select); coding-DNA position 205, C replaced by G.
Protein change: p.Leu69Val; replaces leucine 69 with valine.
Molecular consequence: missense variant. On other transcripts: non-coding transcript variant (3).
Genome position (GRCh38, 1-based): chr11:64,296,893, C>G. VCF-style: chr11-64296893-C-G. GRCh37 (hg19) VCF-style: chr11-64064365-C-G.
Other names: c.205C>G, p.Leu69Val (NM_001317090.2); short protein forms L69V.
Identifiers: ClinVar variation 1379939 (VCV001379939.6), dbSNP rs200879755, ClinGen allele CA6072958.

ClinVar aggregate classification (germline): Uncertain significance (1 of 4 stars; one submission).

Allele frequency attached by ClinVar (database versions not stated): gnomAD exomes below 0.00001 and 0.00002; gnomAD 0.00002 and 0.00004; ExAC 0.00003; 1000 Genomes Project 0.00060; 1000 Genomes Project 30x 0.00062.
gnomAD v4.1: 8 of 1,510,950 alleles (0.00053%); highest among the groups gnomAD compares: Admixed American, 0.019%; 1 homozygote.

Submission:

Labcorp Genetics (formerly Invitae), Labcorp
Classification: Uncertain significance. Last evaluated: 2025-05-05. Review status: criteria provided, single submitter. Criteria: Invitae Variant Classification Sherloc (09022015). Collection method: clinical testing. Allele origin: germline.
Comment: This sequence change replaces leucine, which is neutral and non-polar, with valine, which is neutral and non-polar, at codon 69 of the KCNK4 protein (p.Leu69Val). This variant is present in population databases (rs200879755, gnomAD 0.02%). This variant has not been reported in the literature in individuals affected with KCNK4-related conditions. ClinVar contains an entry for this variant (Variation ID: 1379939). An algorithm developed to predict the effect of missense changes on protein structure and function (PolyPhen-2) suggests that this variant is likely to be tolerated. In summary, the available evidence is currently insufficient to determine the role of this variant in disease. Therefore, it has been classified as a Variant of Uncertain Significance.